The following is an entry in ClinVar:

NM_144997.7(FLCN):c.1706T>C (p.Val569Ala)

Gene: FLCN (folliculin; minus strand). Cytogenetic location: 17p11.2.
Variant type: single nucleotide variant.
Coding change: c.1706T>C on transcript NM_144997.7 (MANE Select); coding-DNA position 1706, T replaced by C.
Protein change: p.Val569Ala; replaces valine 569 with alanine.
Molecular consequence: missense variant.
Genome position (GRCh38, 1-based): chr17:17,213,689, A>G on the plus strand (T>C on the coding strand, the complement: FLCN is on the minus strand). VCF-style: chr17-17213689-A-G. GRCh37 (hg19) VCF-style: chr17-17117003-A-G.
Other names: c.1760T>C, p.Val587Ala (NM_001353229.2); c.1706T>C, p.Val569Ala (NM_001353230.2, NM_001353231.2); c.1706T>C (NM_144997.5); short protein forms V569A, V587A.
Identifiers: ClinVar variation 1474976 (VCV001474976.10), dbSNP rs2144806585, ClinGen allele CA398529811.

ClinVar aggregate classification (germline): Uncertain significance. Review status: criteria provided, multiple submitters, no conflicts (2 of 4 stars). 3 submissions from 3 submitters: Uncertain significance (3). Last evaluated 2025-08-11.

Conditions:
Birt-Hogg-Dube syndrome. Also called: Birt Hogg Dubé syndrome. Identifiers: Orphanet 122, MedGen C0346010, MONDO:0800444.
Familial spontaneous pneumothorax (PSP). Identifiers: Orphanet 2903, MedGen C1868193, MONDO:0008259, OMIM 173600.
Colorectal cancer. Also called: Colorectal cancer, somatic; Malignant Colorectal Neoplasm. Identifiers: MedGen C0346629, MONDO:0005575, OMIM 114500.
Nonpapillary renal cell carcinoma. Identifiers: Orphanet 422526, MedGen CN074294, MONDO:0007763, OMIM 144700.
Birt-Hogg-Dube syndrome 1 (BHD1). Also called: FIBROFOLLICULOMAS WITH TRICHODISCOMAS AND ACROCHORDONS. Identifiers: Orphanet 122, MedGen CN375946, MONDO:0800445, OMIM 135150.
Hereditary cancer-predisposing syndrome. Also called: Hereditary neoplastic syndrome; Tumor predisposition; Neoplastic Syndromes, Hereditary; Hereditary Cancer Syndrome. Identifiers: Orphanet 140162, MedGen C0027672, MeSH D009386, MONDO:0015356.

Allele frequency attached by ClinVar (database versions not stated): gnomAD exomes below 0.00001.
gnomAD v4.1: 1 of 1,614,078 alleles (0.000062%); highest among the groups gnomAD compares: Non-Finnish European, 0.000085%; no homozygotes.

Submissions (3):

Labcorp Genetics (formerly Invitae), Labcorp
Classification: Uncertain significance for Birt-Hogg-Dube syndrome. Last evaluated: 2025-08-11. Review status: criteria provided, single submitter. Criteria: Invitae Variant Classification Sherloc (09022015). Collection method: clinical testing. Allele origin: germline.
Comment: This sequence change replaces valine, which is neutral and non-polar, with alanine, which is neutral and non-polar, at codon 569 of the FLCN protein (p.Val569Ala). This variant is not present in population databases (gnomAD no frequency). This variant has not been reported in the literature in individuals affected with FLCN-related conditions. ClinVar contains an entry for this variant (Variation ID: 1474976). An algorithm developed to predict the effect of missense changes on protein structure and function (PolyPhen-2) suggests that this variant is likely to be tolerated. In summary, the available evidence is currently insufficient to determine the role of this variant in disease. Therefore, it has been classified as a Variant of Uncertain Significance.

Ambry Genetics
Classification: Uncertain significance for Hereditary cancer-predisposing syndrome. Last evaluated: 2025-03-12. Review status: criteria provided, single submitter. Criteria: Ambry Variant Classification Scheme 2023. Collection method: clinical testing. Allele origin: germline.
Comment: The p.V569A variant (also known as c.1706T>C), located in coding exon 11 of the FLCN gene, results from a T to C substitution at nucleotide position 1706. The valine at codon 569 is replaced by alanine, an amino acid with similar properties. This amino acid position is conserved. In addition, the in silico prediction for this alteration is inconclusive. Based on the available evidence, the clinical significance of this variant remains unclear.

Fulgent Genetics
Classification: Uncertain significance for Colorectal cancer; Birt-Hogg-Dube syndrome 1; Nonpapillary renal cell carcinoma; Familial spontaneous pneumothorax. Last evaluated: 2024-02-14. Review status: criteria provided, single submitter. Criteria: ACMG Guidelines, 2015. Collection method: clinical testing. Allele origin: germline.